The following is an entry in ClinVar:

NM_001256012.3(MYH10):c.4060C>G (p.Leu1354Val)

Gene: MYH10 (myosin heavy chain 10; minus strand). Cytogenetic location: 17p13.1.
Variant type: single nucleotide variant.
Coding change: c.4060C>G on transcript NM_001256012.3 (MANE Select); coding-DNA position 4060, C replaced by G.
Protein change: p.Leu1354Val; replaces leucine 1354 with valine.
Molecular consequence: missense variant.
Genome position (GRCh38, 1-based): chr17:8,493,882, G>C on the plus strand (C>G on the coding strand, the complement: MYH10 is on the minus strand). VCF-style: chr17-8493882-G-C. GRCh37 (hg19) VCF-style: chr17-8397200-G-C.
Other names: c.3994C>G, p.Leu1332Val (NM_001256095.2); c.3997C>G, p.Leu1333Val (NM_001375266.1); c.3967C>G, p.Leu1323Val (NM_005964.5); short protein forms L1323V, L1332V, L1333V, L1354V.
Identifiers: ClinVar variation 3369512 (VCV003369512.1).

ClinVar aggregate classification (germline): Uncertain significance (1 of 4 stars; one submission).

Submission:

GeneDx
Classification: Uncertain significance. Last evaluated: 2024-02-21. Review status: criteria provided, single submitter. Criteria: GeneDx Variant Classification Process June 2021. Collection method: clinical testing. Allele origin: germline. Affected: yes.
Comment: Not observed at significant frequency in large population cohorts (gnomAD); In silico analysis supports that this missense variant does not alter protein structure/function; Has not been previously published as pathogenic or benign to our knowledge